The following is an entry in ClinVar:

ClinVar aggregate classification (germline): Uncertain significance (1 of 4 stars; one submission).

Conditions:
Primary ciliary dyskinesia. Also called: Ciliary dyskinesia. Identifiers: Orphanet 244, MedGen C0008780, MONDO:0016575, HP:0012265.

gnomAD v4.1: 10 of 1,613,928 alleles (0.00062%); highest among the groups gnomAD compares: Admixed American, 0.0033%; no homozygotes.

Submission:

Ambry Genetics
Classification: Uncertain significance for Primary ciliary dyskinesia. Last evaluated: 2014-12-11. Review status: criteria provided, single submitter. Criteria: Ambry Variant Classification Scheme 2023. Collection method: clinical testing. Allele origin: germline.
Comment: The p.P1481R variant (also known as c.4442C>G), located in coding exon 28 of the DNAH5 gene, results from a C to G substitution at nucleotide position 4442. The proline at codon 1481 is replaced by arginine, an amino acid with dissimilar properties. This variant was not reported in population based cohorts in the following databases: Database of Single Nucleotide Polymorphisms (dbSNP), NHLBI Exome Sequencing Project (ESP), and 1000 Genomes Project. In the ESP, this variant was not observed in 6503 samples (13006 alleles) with coverage at this position. This amino acid position is conserved in all available species. In addition, this alteration is predicted to be deleterious by in silico analysis. Since supporting evidence is limited at this time, the clinical significance of this variant remains unclear.

NM_001369.3(DNAH5):c.4442C>G (p.Pro1481Arg)

Genes: DNAH5 (dynein axonemal heavy chain 5; minus strand), DNAH5-AS1 (DNAH5 antisense RNA 1; plus strand). Cytogenetic location: 5p15.2.
Variant type: single nucleotide variant.
Coding change: c.4442C>G on transcript NM_001369.3 (MANE Select); coding-DNA position 4442, C replaced by G.
Protein change: p.Pro1481Arg; replaces proline 1481 with arginine.
Molecular consequence: missense variant.
Genome position (GRCh38, 1-based): chr5:13,864,551, G>C on the plus strand (C>G on the coding strand, the complement: DNAH5 is on the minus strand). VCF-style: chr5-13864551-G-C. GRCh37 (hg19) VCF-style: chr5-13864660-G-C.
Other names: short protein forms P1481R.
Identifiers: ClinVar variation 1740635 (VCV001740635.2), dbSNP rs144958262, ClinGen allele CA113975173.